The following is an entry in ClinVar:

NM_001276270.2(MBD4):c.980A>G (p.Gln327Arg)

Gene: MBD4 (methyl-CpG binding domain 4, DNA glycosylase; minus strand). Cytogenetic location: 3q21.3.
Variant type: single nucleotide variant.
Coding change: c.980A>G on transcript NM_001276270.2 (MANE Select); coding-DNA position 980, A replaced by G.
Protein change: p.Gln327Arg; replaces glutamine 327 with arginine.
Molecular consequence: missense variant. On other transcripts: intron variant (1).
Genome position (GRCh38, 1-based): chr3:129,436,664, T>C on the plus strand (A>G on the coding strand, the complement: MBD4 is on the minus strand). VCF-style: chr3-129436664-T-C. GRCh37 (hg19) VCF-style: chr3-129155507-T-C.
Other names: c.980A>G, p.Gln327Arg (NM_001276271.2, NM_001276272.2, NM_003925.3); c.247+1144A>G (NM_001276273.2); short protein forms Q327R.
Identifiers: ClinVar variation 2827330 (VCV002827330.4), dbSNP rs370634011, ClinGen allele CA2605436.
Genomic context (GRCh38, chr3:129,436,664, plus strand): 5'-TTCTCGTTGTGTTCTGAGTCTTTGGCTGAACAAAATTTGTTTATGATGCCAGAAGTTTTT[T>C]GTTCAGAACAAAAATTTGATCCTGAACTCAATGATCTTTCTTTTTTTTTTACAAGGCTGT-3'
Protein context (NP_001263199.1, residues 317-337): LSSGSNFCSE[Gln327Arg]KTSGIINKFC

ClinVar aggregate classification (germline): Uncertain significance. Review status: criteria provided, multiple submitters, no conflicts (2 of 4 stars). 2 submissions from 2 submitters: Uncertain significance (2). Last evaluated 2025-01-07.

Conditions:
Inborn genetic diseases. Identifiers: MedGen C0950123, MeSH D030342.

Allele frequency attached by ClinVar (database versions not stated): gnomAD exomes below 0.00001; TOPMed 0.00001; ExAC 0.00002; gnomAD 0.00002; ESP Exome Variant Server 0.00008.
gnomAD v4.1: 10 of 1,614,102 alleles (0.00062%); highest among the groups gnomAD compares: South Asian, 0.0033%; no homozygotes.

Submissions (2):

Ambry Genetics
Classification: Uncertain significance for Inborn genetic diseases. Last evaluated: 2025-01-07. Review status: criteria provided, single submitter. Criteria: Ambry Variant Classification Scheme 2023. Collection method: clinical testing. Allele origin: germline.
Comment: The p.Q327R variant (also known as c.980A>G), located in coding exon 3 of the MBD4 gene, results from an A to G substitution at nucleotide position 980. The glutamine at codon 327 is replaced by arginine, an amino acid with highly similar properties. This amino acid position is well conserved in available vertebrate species. In addition, the in silico prediction for this alteration is inconclusive. Based on the available evidence, the clinical significance of this variant remains unclear.

Labcorp Genetics (formerly Invitae), Labcorp
Classification: Uncertain significance. Last evaluated: 2023-12-26. Review status: criteria provided, single submitter. Criteria: Invitae Variant Classification Sherloc (09022015). Collection method: clinical testing. Allele origin: germline.
Comment: This sequence change replaces glutamine, which is neutral and polar, with arginine, which is basic and polar, at codon 327 of the MBD4 protein (p.Gln327Arg). This variant is present in population databases (rs370634011, gnomAD 0.01%). This variant has not been reported in the literature in individuals affected with MBD4-related conditions. An algorithm developed to predict the effect of missense changes on protein structure and function (PolyPhen-2) suggests that this variant is likely to be tolerated. In summary, the available evidence is currently insufficient to determine the role of this variant in disease. Therefore, it has been classified as a Variant of Uncertain Significance.